The following is an entry in ClinVar:

ClinVar aggregate classification (germline): Conflicting classifications of pathogenicity. Review status: criteria provided, conflicting classifications (1 of 4 stars). 6 submissions from 6 submitters: Uncertain significance (4); Likely benign (2). Last evaluated 2025-09-21.

Conditions:
FLNB-related disorder. Also called: FLNB-related disorders; FLNB-related condition. Identifiers: MedGen CN381095.
FLNB-Related Spectrum Disorders.

Allele frequency attached by ClinVar (database versions not stated): gnomAD 0.00003 and 0.00005; ESP Exome Variant Server 0.00015.
gnomAD v4.1: 46 of 1,611,566 alleles (0.0029%); highest among the groups gnomAD compares: African/African-American, 0.0081%; 1 homozygote.

Submissions (6):

Labcorp Genetics (formerly Invitae), Labcorp
Classification: Likely benign. Last evaluated: 2025-09-21. Review status: criteria provided, single submitter. Criteria: Invitae Variant Classification Sherloc (09022015). Collection method: clinical testing. Allele origin: germline.

PreventionGenetics, part of Exact Sciences
Classification: Uncertain significance for FLNB-related condition. Last evaluated: 2024-10-31. Review status: criteria provided, single submitter. Criteria: ACMG Guidelines, 2015. Collection method: clinical testing. Allele origin: germline.
Comment: The FLNB c.3652G>A variant is predicted to result in the amino acid substitution p.Ala1218Thr. To our knowledge, this variant has not been reported in the literature. This variant is reported in 0.014% of alleles in individuals of European (Finnish) descent in gnomAD. At this time, the clinical significance of this variant is uncertain due to the absence of conclusive functional and genetic evidence.

CeGaT Center for Human Genetics Tuebingen
Classification: Likely benign. Last evaluated: 2024-09-01. Review status: criteria provided, single submitter. Criteria: CeGaT Center For Human Genetics Tuebingen Variant Classification Criteria Version 2. Collection method: clinical testing. Allele origin: germline. Affected: yes. Observed: 1 variant allele.
Comment: FLNB: BP4, BS2

GeneDx
Classification: Uncertain significance. Last evaluated: 2024-06-20. Review status: criteria provided, single submitter. Criteria: GeneDx Variant Classification Process June 2021. Collection method: clinical testing. Allele origin: germline.
Comment: In silico analysis supports that this missense variant does not alter protein structure/function; Has not been previously published as pathogenic or benign to our knowledge

Revvity Omics, Revvity
Classification: Uncertain significance. Last evaluated: 2022-01-31. Review status: criteria provided, single submitter. Criteria: ACMG Guidelines, 2015. Collection method: clinical testing. Allele origin: germline.

Illumina Laboratory Services, Illumina
Classification: Uncertain significance for FLNB-Related Spectrum Disorders. Last evaluated: 2018-01-12. Review status: criteria provided, single submitter. Criteria: ICSL Variant Classification Criteria 13 December 2019. Collection method: clinical testing. Allele origin: germline.

NM_001457.4(FLNB):c.3652G>A (p.Ala1218Thr)

Gene: FLNB (filamin B; plus strand). Cytogenetic location: 3p14.3.
Variant type: single nucleotide variant.
Coding change: c.3652G>A on transcript NM_001457.4 (MANE Select); coding-DNA position 3652, G replaced by A.
Protein change: p.Ala1218Thr; replaces alanine 1218 with threonine.
Molecular consequence: missense variant.
Genome position (GRCh38, 1-based): chr3:58,123,618, G>A. VCF-style: chr3-58123618-G-A. GRCh37 (hg19) VCF-style: chr3-58109345-G-A.
Other names: c.3652G>A, p.Ala1218Thr (NM_001164317.2, NM_001164318.2, NM_001164319.2); short protein forms A1218T.
Identifiers: ClinVar variation 899516 (VCV000899516.25), dbSNP rs370716086, ClinGen allele CA2468468.